The following is an entry in ClinVar:

ClinVar aggregate classification (germline): Uncertain significance (1 of 4 stars; one submission).

Conditions:
Familial thoracic aortic aneurysm and aortic dissection (TAAD). Also called: Thoracic aortic aneurysms and dissections. Identifiers: Orphanet 91387, MedGen C4707243, MONDO:0019625.

Allele frequency attached by ClinVar (database versions not stated): gnomAD exomes below 0.00001.
gnomAD v4.1: 3 of 1,614,164 alleles (0.00019%); highest among the groups gnomAD compares: Non-Finnish European, 0.00025%; no homozygotes.

Submission:

Ambry Genetics
Classification: Uncertain significance for Familial thoracic aortic aneurysm and aortic dissection. Last evaluated: 2023-10-02. Review status: criteria provided, single submitter. Criteria: Ambry Variant Classification Scheme 2023. Collection method: clinical testing. Allele origin: germline.
Comment: The p.H312Y variant (also known as c.934C>T), located in coding exon 9 of the PLOD1 gene, results from a C to T substitution at nucleotide position 934. The histidine at codon 312 is replaced by tyrosine, an amino acid with similar properties. This amino acid position is conserved. In addition, this alteration is predicted to be tolerated by in silico analysis. Since supporting evidence is limited at this time, the clinical significance of this alteration remains unclear.

NM_000302.4(PLOD1):c.934C>T (p.His312Tyr)

Gene: PLOD1 (procollagen-lysine,2-oxoglutarate 5-dioxygenase 1; plus strand). Cytogenetic location: 1p36.22.
Variant type: single nucleotide variant.
Coding change: c.934C>T on transcript NM_000302.4 (MANE Select); coding-DNA position 934, C replaced by T.
Protein change: p.His312Tyr; replaces histidine 312 with tyrosine.
Molecular consequence: missense variant.
Genome position (GRCh38, 1-based): chr1:11,958,606, C>T. VCF-style: chr1-11958606-C-T. GRCh37 (hg19) VCF-style: chr1-12018663-C-T.
Other names: c.1075C>T, p.His359Tyr (NM_001316320.2); short protein forms H312Y, H359Y.
Identifiers: ClinVar variation 3231140 (VCV003231140.1), dbSNP rs2522834262, ClinGen allele CA338434649.